The following is an entry in ClinVar:

NM_145239.3(PRRT2):c.422_432dup (p.Arg145fs)

Genes: MVP-DT (MVP divergent transcript; minus strand), PRRT2 (proline rich transmembrane protein 2; plus strand). Cytogenetic location: 16p11.2.
Variant type: Duplication.
Coding change: c.422_432dup on transcript NM_145239.3 (MANE Select); coding-DNA positions 422 to 432, 11 bases duplicated (AACCAGACCCC).
Protein change: p.Arg145fs; shifts the reading frame from arginine 145.
Molecular consequence: frameshift variant.
Genome position (GRCh38, 1-based): chr16:29,813,476-29,813,486, AACCAGACCCC duplicated; duplicating any 11 consecutive bases within chr16:29,813,472-29,813,486 gives the same sequence; the c. name uses the placement nearest the transcript's 3' end. VCF-style (leftmost placement, unchanged base first): chr16-29813471-T-TCCCCAACCAGA. GRCh37 (hg19) VCF-style: chr16-29824792-T-TCCCCAACCAGA.
Other names: c.422_432dup, p.Arg145fs (NM_001256442.2, NM_001256443.2); short protein forms R145fs.
Identifiers: ClinVar variation 2101100 (VCV002101100.4), dbSNP rs2543333163, ClinGen allele CA2580091493.
Genomic context (GRCh38, chr16:29,813,471, plus strand): 5'-TGCAGACCAGGGGTCCAGGCTGGAGTCTGCAGCCCCACCTGAACCAGCCCCAGAGCCTGC[T>TCCCCAACCAGA]CCCCAACCAGACCCCCGGCCAGATTCCCAGCCTACCCCCAAGCCAGCCCTTCAACCAGAG-3'

ClinVar aggregate classification (germline): Pathogenic (1 of 4 stars; one submission).

Conditions:
Episodic kinesigenic dyskinesia (EKD). Also called: Paroxysmal kinesigenic dyskinesia. Identifiers: Orphanet 98809, MedGen C1868682, MONDO:0044202.

Submission:

Labcorp Genetics (formerly Invitae), Labcorp
Classification: Pathogenic for Episodic kinesigenic dyskinesia. Last evaluated: 2022-02-21. Review status: criteria provided, single submitter. Criteria: Invitae Variant Classification Sherloc (09022015). Collection method: clinical testing. Allele origin: germline.
Comment: For these reasons, this variant has been classified as Pathogenic. This variant has not been reported in the literature in individuals affected with PRRT2-related conditions. This variant is not present in population databases (gnomAD no frequency). This sequence change creates a premature translational stop signal (p.Arg145Asnfs*35) in the PRRT2 gene. It is expected to result in an absent or disrupted protein product. Loss-of-function variants in PRRT2 are known to be pathogenic (PMID: 22623405, 22744660).

Literature cited by the submitters: PubMed 22623405; PubMed 22744660.